The following is an entry in ClinVar:

NM_153676.4(USH1C):c.409A>G (p.Ile137Val)

Gene: USH1C (USH1 protein network component harmonin; minus strand). Cytogenetic location: 11p15.1.
Variant type: single nucleotide variant.
Coding change: c.409A>G on transcript NM_153676.4 (MANE Select); coding-DNA position 409, A replaced by G.
Protein change: p.Ile137Val; replaces isoleucine 137 with valine.
Molecular consequence: missense variant. On other transcripts: non-coding transcript variant (1).
Genome position (GRCh38, 1-based): chr11:17,527,310, T>C on the plus strand (A>G on the coding strand, the complement: USH1C is on the minus strand). VCF-style: chr11-17527310-T-C. GRCh37 (hg19) VCF-style: chr11-17548857-T-C.
Other names: c.409A>G, p.Ile137Val (NM_001297764.2, NM_005709.4); short protein forms I137V.
Identifiers: ClinVar variation 957278 (VCV000957278.7), dbSNP rs1850747142, ClinGen allele CA379795322.

ClinVar aggregate classification (germline): Uncertain significance. Review status: criteria provided, single submitter (1 of 4 stars). 2 submissions from 2 submitters: Uncertain significance (1). 1 of the submissions does not count toward it. Last evaluated 2021-08-26.

Conditions:
Usher syndrome type 1C. Also called: USHER SYNDROME, TYPE I, ACADIAN VARIETY. Identifiers: Orphanet 231169, Orphanet 886, MedGen C1848604, MONDO:0010171, OMIM 276904.

Allele frequency attached by ClinVar (database versions not stated): TOPMed below 0.00001.
gnomAD v4.1: 1 of 1,612,768 alleles (0.000062%); no homozygotes.

Submissions (2):

Labcorp Genetics (formerly Invitae), Labcorp
Classification: Uncertain significance. Last evaluated: 2021-08-26. Review status: criteria provided, single submitter. Criteria: Invitae Variant Classification Sherloc (09022015). Collection method: clinical testing. Allele origin: germline.
Comment: This sequence change replaces isoleucine with valine at codon 137 of the USH1C protein (p.Ile137Val). The isoleucine residue is highly conserved and there is a small physicochemical difference between isoleucine and valine. This variant is not present in population databases (ExAC no frequency). This variant has not been reported in the literature in individuals affected with USH1C-related conditions. Algorithms developed to predict the effect of missense changes on protein structure and function are either unavailable or do not agree on the potential impact of this missense change (SIFT: "Deleterious"; PolyPhen-2: "Benign"; Align-GVGD: "Class C25"). In summary, the available evidence is currently insufficient to determine the role of this variant in disease. Therefore, it has been classified as a Variant of Uncertain Significance.

Natera, Inc.
Classification: Uncertain significance for Usher syndrome type 1C. Last evaluated: 2021-10-15. Review status: no assertion criteria provided. Collection method: clinical testing. Allele origin: germline. Not counted in ClinVar's aggregate classification.